The following is an entry in ClinVar:

ClinVar aggregate classification (germline): Benign/Likely benign. Review status: criteria provided, multiple submitters, no conflicts (2 of 4 stars). 8 submissions from 8 submitters: Benign (1); Likely benign (7). Last evaluated 2026-03-18.

Conditions:
BAP1-related disorder. Also called: BAP1-related condition.
Hereditary cancer-predisposing syndrome. Also called: Neoplastic Syndromes, Hereditary; Hereditary Cancer Syndrome; Tumor predisposition; Hereditary neoplastic syndrome. Identifiers: Orphanet 140162, MedGen C0027672, MeSH D009386, MONDO:0015356.
BAP1-related tumor predisposition syndrome (TPDS1). Also called: Tumor susceptibility linked to germline BAP1 mutations; COMMON Syndrome; BAP1 tumor predisposition syndrome; TUMOR PREDISPOSITION SYNDROME 1. Identifiers: Orphanet 289539, MedGen C3280492, MONDO:0013692, OMIM 614327.

Allele frequency attached by ClinVar (database versions not stated): ExAC 0.00001; gnomAD 0.00001 and 0.00003; gnomAD exomes 0.00001 and 0.00002; TOPMed 0.00002.

Submissions (8):

PreventionGenetics, part of Exact Sciences
Classification: Likely benign for BAP1-related condition. Last evaluated: 2026-03-18. Review status: criteria provided, single submitter. Criteria: ACMG Guidelines, 2015. Collection method: clinical testing. Allele origin: germline.
Comment: This variant is classified as likely benign based on ACMG/AMP sequence variant interpretation guidelines (Richards et al. 2015 PMID: 25741868, with internal and published modifications).

Labcorp Genetics (formerly Invitae), Labcorp
Classification: Likely benign for BAP1-related tumor predisposition syndrome. Last evaluated: 2026-01-14. Review status: criteria provided, single submitter. Criteria: Invitae Variant Classification Sherloc (09022015). Collection method: clinical testing. Allele origin: germline.

Center for Genomic Medicine, Rigshospitalet, Copenhagen University Hospital
Classification: Likely benign. Last evaluated: 2025-12-29. Review status: criteria provided, single submitter. Criteria: ACMG Guidelines, 2015. Collection method: clinical testing. Allele origin: germline.

Myriad Genetics, Inc.
Classification: Benign for BAP1-related tumor predisposition syndrome. Last evaluated: 2024-07-16. Review status: criteria provided, single submitter. Criteria: Myriad Autosomal Dominant, Autosomal Recessive and X-Linked Classification Criteria (2023). Collection method: clinical testing. Allele origin: unknown.
Comment: This variant is considered benign. This variant is a silent/synonymous amino acid change and it is not expected to impact splicing.

Blueprint Genetics
Classification: Likely benign. Last evaluated: 2023-12-18. Review status: criteria provided, single submitter. Criteria: ACMG Guidelines, 2015. Collection method: clinical testing. Allele origin: germline.

GeneDx
Classification: Likely benign. Last evaluated: 2018-03-22. Review status: criteria provided, single submitter. Criteria: GeneDx Variant Classification (06012015). Collection method: clinical testing. Allele origin: germline. Affected: yes.
Comment: This variant is considered likely benign or benign based on one or more of the following criteria: it is a conservative change, it occurs at a poorly conserved position in the protein, it is predicted to be benign by multiple in silico algorithms, and/or has population frequency not consistent with disease.

Color Diagnostics, LLC DBA Color Health
Classification: Likely benign for Hereditary cancer-predisposing syndrome. Last evaluated: 2017-03-29. Review status: criteria provided, single submitter. Criteria: ACMG Guidelines, 2015. Collection method: clinical testing. Allele origin: germline.

Ambry Genetics
Classification: Likely benign for Hereditary cancer-predisposing syndrome. Last evaluated: 2016-04-13. Review status: criteria provided, single submitter. Criteria: Ambry Variant Classification Scheme 2023. Collection method: clinical testing. Allele origin: germline.

NM_004656.4(BAP1):c.1692G>A (p.Leu564=)

Gene: BAP1 (BRCA1 associated deubiquitinase 1; minus strand). Cytogenetic location: 3p21.1.
Variant type: single nucleotide variant.
Coding change: c.1692G>A on transcript NM_004656.4 (MANE Select); coding-DNA position 1692, G replaced by A.
Protein change: p.Leu564=; no amino-acid change (leucine 564 retained).
Molecular consequence: synonymous variant.
Genome position (GRCh38, 1-based): chr3:52,403,453, C>T on the plus strand (G>A on the coding strand, the complement: BAP1 is on the minus strand). VCF-style: chr3-52403453-C-T. GRCh37 (hg19) VCF-style: chr3-52437469-C-T.
Other names: c.1692G>A (LRG_529t1).
Identifiers: ClinVar variation 485283 (VCV000485283.17), dbSNP rs773346448, ClinGen allele CA2436753.
Genomic context (GRCh38, chr3:52,403,453, plus strand): 5'-CAGTGAGCCAGTCCAAGGCCCACCTGTCAGCGCCAGGGGACTCAGCACCCCATCCTCAGC[C>T]AGGTGCAGCAGGCCTGTGCTGATGACAGGACCCAGATCACGGACAGCACGGTTGTAGCGT-3'
Protein context (NP_004647.1, residues 554-574): GPVISTGLLH[Leu564=]AEDGVLSPLA